The following is an entry in ClinVar:

ClinVar aggregate classification (germline): Conflicting classifications of pathogenicity. Review status: criteria provided, conflicting classifications (1 of 4 stars). 2 submissions from 2 submitters: Uncertain significance (1); Likely benign (1). Last evaluated 2025-02-04.

Conditions:
Hereditary cancer-predisposing syndrome. Also called: Tumor predisposition; Hereditary Cancer Syndrome; Hereditary neoplastic syndrome; Neoplastic Syndromes, Hereditary. Identifiers: Orphanet 140162, MedGen C0027672, MeSH D009386, MONDO:0015356.

Allele frequency attached by ClinVar (database versions not stated): gnomAD exomes below 0.00001.
gnomAD v4.1: 2 of 1,555,436 alleles (0.00013%); highest among the groups gnomAD compares: Non-Finnish European, 0.00018%; no homozygotes.

Submissions (2):

Quest Diagnostics Nichols Institute San Juan Capistrano
Classification: Uncertain significance. Last evaluated: 2025-02-04. Review status: criteria provided, single submitter. Criteria: Quest Diagnostics criteria. Collection method: clinical testing. Allele origin: unknown.
Comment: The MAX c.66T>C (p.Ala22=) synonymous variant has not been reported in individuals with MAX-related conditions in the published literature. The frequency of this variant in the general population (Genome Aggregation Database) is uninformative in the assessment of its pathogenicity. Analysis of this variant using software algorithms for the prediction of the effect of nucleotide changes on splicing yielded predictions that this variant does not affect MAX mRNA splicing. Based on the available information, we are unable to determine the clinical significance of this variant.

Ambry Genetics
Classification: Likely benign for Hereditary cancer-predisposing syndrome. Last evaluated: 2023-06-17. Review status: criteria provided, single submitter. Criteria: Ambry Variant Classification Scheme 2023. Collection method: clinical testing. Allele origin: germline.

NM_002382.5(MAX):c.66T>C (p.Ala22=)

Genes: MAX (MYC associated transcriptional regulator X; minus strand), MAX-AS1 (MAX antisense RNA 1; plus strand). Cytogenetic location: 14q23.3.
Variant type: single nucleotide variant.
Coding change: c.66T>C on transcript NM_002382.5 (MANE Select); coding-DNA position 66, T replaced by C.
Protein change: p.Ala22=; no amino-acid change (alanine 22 retained).
Molecular consequence: synonymous variant. On other transcripts: non-coding transcript variant (12), 5 prime UTR variant (6), missense variant (1), intron variant (1).
Genome position (GRCh38, 1-based): chr14:65,093,813, A>G on the plus strand (T>C on the coding strand, the complement: MAX is on the minus strand). VCF-style: chr14-65093813-A-G. GRCh37 (hg19) VCF-style: chr14-65560531-A-G.
Other names: c.39T>C, p.Ala13= (NM_001271068.2, NM_001271069.2, NM_001407095.1 and 9 more transcripts); c.-209T>C (NM_001320415.2, NM_001407105.1, NM_001407106.1 and 1 more transcripts); c.66T>C, p.Ala22= (NM_001407094.1, NM_001407096.1, NM_001407097.1 and 5 more transcripts); c.-302T>C (NM_001407111.1, NM_001407112.1); c.89T>C, p.Leu30Pro (NM_001407114.1); c.63+7733T>C (NM_001407098.1); c.66T>C (NM_002382.4); short protein forms L30P.
Identifiers: ClinVar variation 2587740 (VCV002587740.3), dbSNP rs1566622633, ClinGen allele CA486742951.